The following is an entry in ClinVar:

NM_015981.4(CAMK2A):c.*17C>T

Gene: CAMK2A (calcium/calmodulin dependent protein kinase II alpha; minus strand). Cytogenetic location: 5q32.
Variant type: single nucleotide variant.
Coding change: c.*17C>T on transcript NM_015981.4 (MANE Select); 17 bases downstream of the stop codon, C replaced by T.
Molecular consequence: 3 prime UTR variant.
Genome position (GRCh38, 1-based): chr5:150,222,693, G>A on the plus strand (C>T on the coding strand, the complement: CAMK2A is on the minus strand). VCF-style: chr5-150222693-G-A. GRCh37 (hg19) VCF-style: chr5-149602256-G-A.
Other names: c.*17C>T (NM_001363989.1, NM_001363990.1, NM_171825.3); c.*46C>T (NM_001369025.2).
Identifiers: ClinVar variation 2655916 (VCV002655916.24), dbSNP rs563702310, ClinGen allele CA3509456.

ClinVar aggregate classification (germline): Likely benign (1 of 4 stars; one submission).

Allele frequency attached by ClinVar (database versions not stated): gnomAD exomes 0.00007; TOPMed 0.00011.
gnomAD v4.1: 111 of 1,613,668 alleles (0.0069%); highest among the groups gnomAD compares: East Asian, 0.1%; 2 homozygotes.

Submission:

CeGaT Center for Human Genetics Tuebingen
Classification: Likely benign. Last evaluated: 2023-08-01. Review status: criteria provided, single submitter. Criteria: CeGaT Center For Human Genetics Tuebingen Variant Classification Criteria Version 2. Collection method: clinical testing. Allele origin: germline. Affected: yes. Observed: 1 variant allele.
Comment: CAMK2A: BP4, BP7